The following is an entry in ClinVar:

ClinVar aggregate classification (germline): Uncertain significance. Review status: criteria provided, multiple submitters, no conflicts (2 of 4 stars). 3 submissions from 3 submitters: Uncertain significance (3). Last evaluated 2024-03-12.

Conditions:
Developmental and epileptic encephalopathy. Identifiers: MedGen C5779964, MONDO:0100620.
Inborn genetic diseases. Identifiers: MedGen C0950123, MeSH D030342.

Allele frequency attached by ClinVar (database versions not stated): gnomAD exomes below 0.00001; gnomAD 0.00001; TOPMed 0.00001.
gnomAD v4.1: 3 of 1,195,626 alleles (0.00025%); highest among the groups gnomAD compares: Non-Finnish European, 0.00031%; no homozygotes.

Submissions (3):

Ambry Genetics
Classification: Uncertain significance for Inborn genetic diseases. Last evaluated: 2024-03-12. Review status: criteria provided, single submitter. Criteria: Ambry Variant Classification Scheme 2023. Collection method: clinical testing. Allele origin: germline.

Labcorp Genetics (formerly Invitae), Labcorp
Classification: Uncertain significance for Early-infantile DEE. Last evaluated: 2022-06-13. Review status: criteria provided, single submitter. Criteria: Invitae Variant Classification Sherloc (09022015). Collection method: clinical testing. Allele origin: germline.
Comment: This sequence change replaces serine, which is neutral and polar, with asparagine, which is neutral and polar, at codon 63 of the CACNA2D2 protein (p.Ser63Asn). This variant is not present in population databases (gnomAD no frequency). This variant has not been reported in the literature in individuals affected with CACNA2D2-related conditions. ClinVar contains an entry for this variant (Variation ID: 461304). Algorithms developed to predict the effect of missense changes on protein structure and function are either unavailable or do not agree on the potential impact of this missense change (SIFT: "Deleterious"; PolyPhen-2: "Benign"; Align-GVGD: "Class C0"). In summary, the available evidence is currently insufficient to determine the role of this variant in disease. Therefore, it has been classified as a Variant of Uncertain Significance.

Breakthrough Genomics
Classification: Uncertain significance. Review status: criteria provided, single submitter. Criteria: ACMG Guidelines, 2015. Collection method: not provided. Allele origin: germline. Inheritance: Autosomal recessive inheritance. Affected: yes.

NM_006030.4(CACNA2D2):c.188G>A (p.Ser63Asn)

Gene: CACNA2D2 (calcium voltage-gated channel auxiliary subunit alpha2delta 2; minus strand). Cytogenetic location: 3p21.31.
Variant type: single nucleotide variant.
Coding change: c.188G>A on transcript NM_006030.4 (MANE Select); coding-DNA position 188, G replaced by A.
Protein change: p.Ser63Asn; replaces serine 63 with asparagine.
Molecular consequence: missense variant. On other transcripts: intron variant (1).
Genome position (GRCh38, 1-based): chr3:50,503,236, C>T on the plus strand (G>A on the coding strand, the complement: CACNA2D2 is on the minus strand). VCF-style: chr3-50503236-C-T. GRCh37 (hg19) VCF-style: chr3-50540667-C-T.
Other names: c.188G>A, p.Ser63Asn (NM_001005505.3, NM_001174051.3); c.-2+833G>A (NM_001291101.1); c.188G>A (NM_001174051.1); short protein forms S63N.
Identifiers: ClinVar variation 461304 (VCV000461304.5), dbSNP rs71615489, ClinGen allele CA74518885.